The following is an entry in ClinVar:

NM_015092.5(SMG1):c.496T>C (p.Leu166=)

Gene: SMG1 (SMG1 nonsense mediated mRNA decay associated PI3K related kinase; minus strand). Cytogenetic location: 16p12.3.
Variant type: single nucleotide variant.
Coding change: c.496T>C on transcript NM_015092.5 (MANE Select); coding-DNA position 496, T replaced by C.
Protein change: p.Leu166=; no amino-acid change (leucine 166 retained).
Molecular consequence: synonymous variant.
Genome position (GRCh38, 1-based): chr16:18,892,271, A>G on the plus strand (T>C on the coding strand, the complement: SMG1 is on the minus strand). VCF-style: chr16-18892271-A-G. GRCh37 (hg19) VCF-style: chr16-18903593-A-G.
Identifiers: ClinVar variation 2646271 (VCV002646271.24), dbSNP rs1350852222, ClinGen allele CA493806890.

ClinVar aggregate classification (germline): Likely benign (1 of 4 stars; one submission).

Allele frequency attached by ClinVar (database versions not stated): TOPMed 0.00001; gnomAD exomes 0.00003.
gnomAD v4.1: 43 of 1,551,822 alleles (0.0028%); highest among the groups gnomAD compares: Non-Finnish European, 0.0035%; no homozygotes.

Submission:

CeGaT Center for Human Genetics Tuebingen
Classification: Likely benign. Last evaluated: 2022-04-01. Review status: criteria provided, single submitter. Criteria: CeGaT Center For Human Genetics Tuebingen Variant Classification Criteria Version 2. Collection method: clinical testing. Allele origin: germline. Affected: yes. Observed: 1 variant allele.
Comment: SMG1: BP4, BP7